The following is an entry in ClinVar:

NM_194454.3(KRIT1):c.647dup (p.Ser217fs)

Gene: KRIT1 (KRIT1 ankyrin repeat containing; minus strand). Cytogenetic location: 7q21.2.
Variant type: Duplication.
Coding change: c.647dup on transcript NM_194454.3 (MANE Select); coding-DNA position 647, one base duplicated (A; older notation c.647dupA).
Protein change: p.Ser217fs; shifts the reading frame from serine 217.
Molecular consequence: frameshift variant. On other transcripts: intron variant (1).
Genome position (GRCh38, 1-based): chr7:92,235,485, T duplicated on the plus strand (A on the coding strand, the reverse complement: KRIT1 is on the minus strand); the first of 3 consecutive T bases (chr7:92,235,485-92,235,487); duplicating any one gives the same sequence. VCF-style (leftmost placement, unchanged base first): chr7-92235484-C-CT. GRCh37 (hg19) VCF-style: chr7-91864798-C-CT.
Other names: c.647dup, p.Ser217fs (NM_001013406.2, NM_001350669.1, NM_001350670.1 and 29 more transcripts); c.15+49dup (NM_001350671.1); short protein forms S217fs.
Identifiers: ClinVar variation 4293864 (VCV004293864.1).

ClinVar aggregate classification (germline): Likely pathogenic (1 of 4 stars; one submission).

Conditions:
Cerebral cavernous malformation (CCM). Also called: Cavernous Hemangioma of Brain; Cerebral cavernous malformations; CEREBRAL CAPILLARY MALFORMATIONS; CAVERNOUS ANGIOMA, FAMILIAL; CAVERNOUS ANGIOMATOUS MALFORMATIONS; Cerebral cavernous hemangioma (type). Identifiers: Orphanet 221061, MedGen C2919945, MONDO:0000820, OMIM 116860, HP:0033522.

Submission:

3billion
Classification: Likely pathogenic for Cerebral cavernous malformation. Last evaluated: 2024-11-19. Review status: criteria provided, single submitter. Criteria: ACMG Guidelines, 2015. Collection method: clinical testing. Allele origin: germline. Affected: yes.
Comment: The variant is not observed in the gnomAD v4.1.0 dataset. Predicted Consequence/Location: Frameshift: predicted to result in a loss or disruption of normal protein function through nonsense-mediated decay (NMD) or protein truncation. Multiple pathogenic variants are reported downstream of the variant. In silico tools predict the variant to alter splicing and produce an abnormal transcript [SpliceAI: 0.40 (spliceogenicity >=0.2, non-spliceogenicity <0.1)]. Therefore, this variant is classified as Likely pathogenic according to the recommendation of ACMG/AMP guideline.